The following is an entry in ClinVar:

NM_001023570.4(IQCB1):c.1333C>T (p.Arg445Ter)

Gene: IQCB1 (IQ motif containing B1; minus strand). Cytogenetic location: 3q13.33.
Variant type: single nucleotide variant.
Coding change: c.1333C>T on transcript NM_001023570.4 (MANE Select); coding-DNA position 1333, C replaced by T.
Protein change: p.Arg445Ter; replaces arginine 445 with a stop codon.
Molecular consequence: nonsense. On other transcripts: non-coding transcript variant (1).
Genome position (GRCh38, 1-based): chr3:121,781,820, G>A on the plus strand (C>T on the coding strand, the complement: IQCB1 is on the minus strand). VCF-style: chr3-121781820-G-A. GRCh37 (hg19) VCF-style: chr3-121500667-G-A.
Other names: c.934C>T, p.Arg312Ter (NM_001023571.4); c.1333C>T, p.Arg445Ter (NM_001319107.2); c.1333C>T (NM_001023570.3); short protein forms R312*, R445*.
Identifiers: ClinVar variation 1458659 (VCV001458659.11), dbSNP rs867772426, ClinGen allele CA82726000.

ClinVar aggregate classification (germline): Pathogenic. Review status: criteria provided, multiple submitters, no conflicts (2 of 4 stars). 2 submissions from 2 submitters: Pathogenic (2). Last evaluated 2024-10-01.

Conditions:
Nephronophthisis. Also called: Juvenile Nephronophthisis. Identifiers: Orphanet 655, MedGen C0687120, MONDO:0019005, HP:0000090.
Leber congenital amaurosis (LCA). Also called: Leber's amaurosis. Identifiers: Orphanet 65, MedGen C0339527, MeSH D057130, MONDO:0018998.

Allele frequency attached by ClinVar (database versions not stated): gnomAD 0.00001; gnomAD exomes 0.00001.
gnomAD v4.1: 10 of 1,613,492 alleles (0.00062%); highest among the groups gnomAD compares: East Asian, 0.0022%; no homozygotes.

Submissions (2):

Lab De Baere, Eye and Developmental Genetics Lab, Ghent University
Classification: Pathogenic for Leber congenital amaurosis. Last evaluated: 2024-10-01. Review status: criteria provided, single submitter. Criteria: ACMG Guidelines, 2015. Collection method: research. Allele origin: inherited. Affected: yes. Observed: 1 variant allele.
Comment: ACMG/AMP guidelines: PM2, PP4_PP, PP5, PVS1, PP1, PM3_1

Labcorp Genetics (formerly Invitae), Labcorp
Classification: Pathogenic for Nephronophthisis. Last evaluated: 2023-07-07. Review status: criteria provided, single submitter. Criteria: Invitae Variant Classification Sherloc (09022015). Collection method: clinical testing. Allele origin: germline.
Comment: For these reasons, this variant has been classified as Pathogenic. This sequence change creates a premature translational stop signal (p.Arg445*) in the IQCB1 gene. It is expected to result in an absent or disrupted protein product. Loss-of-function variants in IQCB1 are known to be pathogenic (PMID: 15723066, 21901789, 23559409, 28041643). This variant is not present in population databases (gnomAD no frequency). This premature translational stop signal has been observed in individuals with Leber congenital amaurosis (PMID: 23188109, 29068479). ClinVar contains an entry for this variant (Variation ID: 1458659).

Literature cited by the submitters: PubMed 15723066 (cited by Labcorp Genetics (formerly Invitae), Labcorp); PubMed 21901789 (cited by Labcorp Genetics (formerly Invitae), Labcorp); PubMed 23559409 (cited by Labcorp Genetics (formerly Invitae), Labcorp); PubMed 28041643 (cited by Labcorp Genetics (formerly Invitae), Labcorp); PubMed 23188109 (cited by Labcorp Genetics (formerly Invitae), Labcorp); PubMed 29068479 (cited by Labcorp Genetics (formerly Invitae), Labcorp).